The following is an entry in ClinVar:

ClinVar aggregate classification (germline): Uncertain significance (1 of 4 stars; one submission).

Allele frequency attached by ClinVar (database versions not stated): gnomAD exomes below 0.00001; TOPMed below 0.00001.
gnomAD v4.1: 1 of 1,613,362 alleles (0.000062%); highest among the groups gnomAD compares: Admixed American, 0.0017%; no homozygotes.

Submission:

Labcorp Genetics (formerly Invitae), Labcorp
Classification: Uncertain significance. Last evaluated: 2022-02-12. Review status: criteria provided, single submitter. Criteria: Invitae Variant Classification Sherloc (09022015). Collection method: clinical testing. Allele origin: germline.
Comment: In summary, the available evidence is currently insufficient to determine the role of this variant in disease. Therefore, it has been classified as a Variant of Uncertain Significance. Algorithms developed to predict the effect of missense changes on protein structure and function are either unavailable or do not agree on the potential impact of this missense change (SIFT: "Deleterious"; PolyPhen-2: "Possibly Damaging"; Align-GVGD: "Class C0"). This variant has not been reported in the literature in individuals affected with RBBP8-related conditions. This variant is present in population databases (no rsID available, gnomAD 0.003%). This sequence change replaces leucine, which is neutral and non-polar, with proline, which is neutral and non-polar, at codon 642 of the RBBP8 protein (p.Leu642Pro).

NM_002894.3(RBBP8):c.1925T>C (p.Leu642Pro)

Gene: RBBP8 (RB binding protein 8, endonuclease; plus strand). Cytogenetic location: 18q11.2.
Variant type: single nucleotide variant.
Coding change: c.1925T>C on transcript NM_002894.3 (MANE Select); coding-DNA position 1925, T replaced by C.
Protein change: p.Leu642Pro; replaces leucine 642 with proline.
Molecular consequence: missense variant.
Genome position (GRCh38, 1-based): chr18:22,993,833, T>C. VCF-style: chr18-22993833-T-C. GRCh37 (hg19) VCF-style: chr18-20573796-T-C.
Other names: c.1925T>C, p.Leu642Pro (NM_203291.2, NM_203292.2); short protein forms L642P.
Identifiers: ClinVar variation 1935517 (VCV001935517.5), dbSNP rs1449845610, ClinGen allele CA401779726.